The following is an entry in ClinVar:

ClinVar aggregate classification (germline): Uncertain significance. Review status: criteria provided, multiple submitters, no conflicts (2 of 4 stars). 2 submissions from 2 submitters: Uncertain significance (2). Last evaluated 2024-10-18.

Conditions:
Emery-Dreifuss muscular dystrophy 4, autosomal dominant (EDMD4). Also called: EMERY-DREIFUSS MUSCULAR DYSTROPHY 4 WITH VARIABLE FEATURES. Identifiers: Orphanet 261, MedGen C2751807, MONDO:0013071, OMIM 612998.
Autosomal recessive ataxia, Beauce type. Also called: SYNE1-Related Autosomal Recessive Cerebellar Ataxia; Spinocerebellar ataxia, autosomal recessive 8; ATAXIA, RECESSIVE, OF BEAUCE; SYNE1 Deficiency. Identifiers: Orphanet 88644, MedGen C1853116, MONDO:0012549, OMIM 610743.

Allele frequency attached by ClinVar (database versions not stated): gnomAD exomes 0.00002 and 0.00008; ExAC 0.00007; ESP Exome Variant Server 0.00008; gnomAD 0.00015 and 0.00016; TOPMed 0.00019.
gnomAD v4.1: 49 of 1,613,944 alleles (0.003%); highest among the groups gnomAD compares: African/African-American, 0.049%; no homozygotes.

Submissions (2):

Labcorp Genetics (formerly Invitae), Labcorp
Classification: Uncertain significance for Emery-Dreifuss muscular dystrophy 4, autosomal dominant; Autosomal recessive ataxia, Beauce type. Last evaluated: 2024-10-18. Review status: criteria provided, single submitter. Criteria: Invitae Variant Classification Sherloc (09022015). Collection method: clinical testing. Allele origin: germline.
Comment: This sequence change replaces arginine, which is basic and polar, with tryptophan, which is neutral and slightly polar, at codon 5492 of the SYNE1 protein (p.Arg5492Trp). This variant is present in population databases (rs375097544, gnomAD 0.08%). This variant has not been reported in the literature in individuals affected with SYNE1-related conditions. ClinVar contains an entry for this variant (Variation ID: 471004). An algorithm developed to predict the effect of missense changes on protein structure and function (PolyPhen-2) suggests that this variant is likely to be disruptive. In summary, the available evidence is currently insufficient to determine the role of this variant in disease. Therefore, it has been classified as a Variant of Uncertain Significance.

Athena Diagnostics
Classification: Uncertain significance. Last evaluated: 2022-11-28. Review status: criteria provided, single submitter. Criteria: Athena Diagnostics Criteria. Collection method: clinical testing. Allele origin: unknown.
Comment: Available data are insufficient to determine the clinical significance of the variant at this time. The frequency of this variant in the general population is higher than would generally be expected for pathogenic variants in this gene. Computational tools disagree on the variant's effect on normal protein function.

Literature cited by the submitters: PubMed 28324520 (cited by Athena Diagnostics).

NM_182961.4(SYNE1):c.16687C>T (p.Arg5563Trp)

Gene: SYNE1 (spectrin repeat containing nuclear envelope protein 1; minus strand). Cytogenetic location: 6q25.2.
Variant type: single nucleotide variant.
Coding change: c.16687C>T on transcript NM_182961.4 (MANE Select); coding-DNA position 16687, C replaced by T.
Protein change: p.Arg5563Trp; replaces arginine 5563 with tryptophan.
Molecular consequence: missense variant.
Genome position (GRCh38, 1-based): chr6:152,316,872, G>A on the plus strand (C>T on the coding strand, the complement: SYNE1 is on the minus strand). VCF-style: chr6-152316872-G-A. GRCh37 (hg19) VCF-style: chr6-152638007-G-A.
Other names: c.16474C>T, p.Arg5492Trp (NM_033071.5); c.16687C>T (NM_182961.2); short protein forms R5563W, R5492W.
Identifiers: ClinVar variation 471004 (VCV000471004.7), dbSNP rs375097544, ClinGen allele CA4055462.